The following is an entry in ClinVar:

NM_000944.5(PPP3CA):c.388G>T (p.Val130Leu)

Gene: PPP3CA (protein phosphatase 3 catalytic subunit alpha; minus strand). Cytogenetic location: 4q24.
Variant type: single nucleotide variant.
Coding change: c.388G>T on transcript NM_000944.5 (MANE Select); coding-DNA position 388, G replaced by T.
Protein change: p.Val130Leu; replaces valine 130 with leucine.
Molecular consequence: missense variant.
Genome position (GRCh38, 1-based): chr4:101,099,719, C>A on the plus strand (G>T on the coding strand, the complement: PPP3CA is on the minus strand). VCF-style: chr4-101099719-C-A. GRCh37 (hg19) VCF-style: chr4-102020876-C-A.
Other names: c.388G>T, p.Val130Leu (NM_001130691.2, NM_001130692.2); short protein forms V130L.
Identifiers: ClinVar variation 4540358 (VCV004540358.2).

ClinVar aggregate classification (germline): Uncertain significance. Review status: criteria provided, multiple submitters, no conflicts (2 of 4 stars). 2 submissions from 2 submitters: Uncertain significance (2). Last evaluated 2025-06-24.

gnomAD v4.1: 1 of 1,481,010 alleles (0.000068%); highest among the groups gnomAD compares: Non-Finnish European, 0.000091%; no homozygotes.

Submissions (2):

GeneDx
Classification: Uncertain significance. Last evaluated: 2025-06-24. Review status: criteria provided, single submitter. Criteria: GeneDx Variant Classification Process June 2021. Collection method: clinical testing. Allele origin: germline. Affected: yes.
Comment: In silico analysis supports that this missense variant has a deleterious effect on protein structure/function; Has not been previously published as pathogenic or benign to our knowledge

Labcorp Genetics (formerly Invitae), Labcorp
Classification: Uncertain significance. Last evaluated: 2025-03-05. Review status: criteria provided, single submitter. Criteria: Invitae Variant Classification Sherloc (09022015). Collection method: clinical testing. Allele origin: germline.
Comment: This sequence change replaces valine, which is neutral and non-polar, with leucine, which is neutral and non-polar, at codon 130 of the PPP3CA protein (p.Val130Leu). The frequency data for this variant in the population databases is considered unreliable, as metrics indicate poor data quality at this position in the gnomAD database. This variant has not been reported in the literature in individuals affected with PPP3CA-related conditions. Invitae Evidence Modeling of protein sequence and biophysical properties (such as structural, functional, and spatial information, amino acid conservation, physicochemical variation, residue mobility, and thermodynamic stability) indicates that this missense variant is not expected to disrupt PPP3CA protein function with a negative predictive value of 80%. In summary, the available evidence is currently insufficient to determine the role of this variant in disease. Therefore, it has been classified as a Variant of Uncertain Significance.